The following is an entry in ClinVar:

NM_153460.4(IL17RC):c.106-109G>A

Gene: IL17RC (interleukin 17 receptor C; plus strand). Cytogenetic location: 3p25.3.
Variant type: single nucleotide variant.
Coding change: c.106-109G>A on transcript NM_153460.4 (MANE Select); 109 bases into the intron before coding-DNA position 106, G replaced by A.
Molecular consequence: intron variant. On other transcripts: missense variant (1).
Genome position (GRCh38, 1-based): chr3:9,917,604, G>A. VCF-style: chr3-9917604-G-A. GRCh37 (hg19) VCF-style: chr3-9959288-G-A.
Other names: c.289G>A, p.Gly97Arg (NM_153461.4); c.106-109G>A (NM_001203263.2, NM_001203264.2, NM_001367278.1 and 5 more transcripts); short protein forms G97R.
Identifiers: ClinVar variation 4775694 (VCV004775694.1).

ClinVar aggregate classification (germline): Uncertain significance (1 of 4 stars; one submission).

Conditions:
Candidiasis, familial, 9 (CANDF9). Identifiers: Orphanet 1334, MedGen C4225324, MONDO:0014642, OMIM 616445.

gnomAD v4.1: 3 of 1,614,182 alleles (0.00019%); highest among the groups gnomAD compares: South Asian, 0.0011%; no homozygotes.

Submission:

Labcorp Genetics (formerly Invitae), Labcorp
Classification: Uncertain significance for Candidiasis, familial, 9. Last evaluated: 2025-10-27. Review status: criteria provided, single submitter. Criteria: Invitae Variant Classification Sherloc (09022015). Collection method: clinical testing. Allele origin: germline.
Comment: This sequence change replaces glycine, which is neutral and non-polar, with arginine, which is basic and polar, at codon 97 of the IL17RC protein (p.Gly97Arg). This variant is present in population databases (rs781279005, gnomAD 0.002%). This variant has not been reported in the literature in individuals affected with IL17RC-related conditions. An algorithm developed to predict the effect of missense changes on protein structure and function outputs the following: PolyPhen-2: "Probably Damaging". The arginine amino acid residue is found in multiple mammalian species, which suggests that this missense change does not adversely affect protein function. In summary, the available evidence is currently insufficient to determine the role of this variant in disease. Therefore, it has been classified as a Variant of Uncertain Significance.